The following is an entry in ClinVar:

ClinVar aggregate classification (germline): Uncertain significance (1 of 4 stars; one submission).

gnomAD v4.1: 3 of 1,610,132 alleles (0.00019%); highest among the groups gnomAD compares: African/African-American, 0.004%; no homozygotes.

Submission:

Labcorp Genetics (formerly Invitae), Labcorp
Classification: Uncertain significance. Last evaluated: 2025-07-23. Review status: criteria provided, single submitter. Criteria: Invitae Variant Classification Sherloc (09022015). Collection method: clinical testing. Allele origin: germline.
Comment: This sequence change replaces proline, which is neutral and non-polar, with leucine, which is neutral and non-polar, at codon 273 of the CFH protein (p.Pro273Leu). This variant is present in population databases (no rsID available, gnomAD 0.008%). This variant has not been reported in the literature in individuals affected with CFH-related conditions. An algorithm developed to predict the effect of missense changes on protein structure and function (PolyPhen-2) suggests that this variant is likely to be tolerated. In summary, the available evidence is currently insufficient to determine the role of this variant in disease. Therefore, it has been classified as a Variant of Uncertain Significance.

NM_000186.4(CFH):c.818C>T (p.Pro273Leu)

Gene: CFH (complement factor H; plus strand). Cytogenetic location: 1q31.3.
Variant type: single nucleotide variant.
Coding change: c.818C>T on transcript NM_000186.4 (MANE Select); coding-DNA position 818, C replaced by T.
Protein change: p.Pro273Leu; replaces proline 273 with leucine.
Molecular consequence: missense variant.
Genome position (GRCh38, 1-based): chr1:196,685,091, C>T. VCF-style: chr1-196685091-C-T. GRCh37 (hg19) VCF-style: chr1-196654221-C-T.
Other names: c.818C>T, p.Pro273Leu (NM_001014975.3); short protein forms P273L.
Identifiers: ClinVar variation 4701171 (VCV004701171.1).